The following is an entry in ClinVar:

ClinVar aggregate classification (germline): Uncertain significance. Review status: criteria provided, multiple submitters, no conflicts (2 of 4 stars). 2 submissions from 2 submitters: Uncertain significance (2). Last evaluated 2025-02-20.

Conditions:
Singleton-Merten syndrome 1 (SGMRT1). Also called: Widened medullary cavities of bone, aortic calcification, abnormal dentition, and muscular weakness; Syndrome of widened medullary cavities of the metacarpals and phalanges, aortic calcification and abnormal dentition. Identifiers: Orphanet 85191, MedGen C4225427, MONDO:0024535, OMIM 182250.
Aicardi-Goutieres syndrome 7 (AGS7). Identifiers: Orphanet 51, MedGen C3888244, MONDO:0014367, OMIM 615846.

gnomAD v4.1: 1 of 1,614,208 alleles (0.000062%); highest among the groups gnomAD compares: African/African-American, 0.0013%; no homozygotes.

Submissions (2):

Dasa
Classification: Uncertain significance. Last evaluated: 2025-02-20. Review status: criteria provided, single submitter. Criteria: DASA Assertion Criteria. Collection method: clinical testing. Allele origin: germline.
Comment: NM_022168.4(IFIH1):c.148G>T (p.Val50Phe) is a missense variant that results in the substitution of valine with phenylalanine. This variant is rare in population databases. Computational prediction algorithms are consistent with a benign effect. The currently available literature and clinical evidence are not sufficient to establish a definitive association between this variant and the reported condition. Therefore, this variant is classified as a variant of uncertain significance.

Labcorp Genetics (formerly Invitae), Labcorp
Classification: Uncertain significance for Aicardi-Goutieres syndrome 7; Singleton-Merten syndrome 1. Last evaluated: 2023-01-21. Review status: criteria provided, single submitter. Criteria: Invitae Variant Classification Sherloc (09022015). Collection method: clinical testing. Allele origin: germline.
Comment: This variant is not present in population databases (gnomAD no frequency). In summary, the available evidence is currently insufficient to determine the role of this variant in disease. Therefore, it has been classified as a Variant of Uncertain Significance. Algorithms developed to predict the effect of missense changes on protein structure and function (SIFT, PolyPhen-2, Align-GVGD) all suggest that this variant is likely to be tolerated. This variant has not been reported in the literature in individuals affected with IFIH1-related conditions. This sequence change replaces valine, which is neutral and non-polar, with phenylalanine, which is neutral and non-polar, at codon 50 of the IFIH1 protein (p.Val50Phe).

NM_022168.4(IFIH1):c.148G>T (p.Val50Phe)

Gene: IFIH1 (interferon induced with helicase C domain 1; minus strand). Cytogenetic location: 2q24.2.
Variant type: single nucleotide variant.
Coding change: c.148G>T on transcript NM_022168.4 (MANE Select); coding-DNA position 148, G replaced by T.
Protein change: p.Val50Phe; replaces valine 50 with phenylalanine.
Molecular consequence: missense variant.
Genome position (GRCh38, 1-based): chr2:162,318,160, C>A on the plus strand (G>T on the coding strand, the complement: IFIH1 is on the minus strand). VCF-style: chr2-162318160-C-A. GRCh37 (hg19) VCF-style: chr2-163174670-C-A.
Other names: short protein forms V50F.
Identifiers: ClinVar variation 2943498 (VCV002943498.5), dbSNP rs2469006259, ClinGen allele CA349014123.